The following is an entry in ClinVar:

NM_004415.4(DSP):c.850A>G (p.Met284Val)

Gene: DSP (desmoplakin; plus strand). Cytogenetic location: 6p24.3.
Variant type: single nucleotide variant.
Coding change: c.850A>G on transcript NM_004415.4 (MANE Select); coding-DNA position 850, A replaced by G.
Protein change: p.Met284Val; replaces methionine 284 with valine.
Molecular consequence: missense variant.
Genome position (GRCh38, 1-based): chr6:7,565,431, A>G. VCF-style: chr6-7565431-A-G. GRCh37 (hg19) VCF-style: chr6-7565664-A-G.
Other names: c.850A>G, p.Met284Val (NM_001008844.3, NM_001319034.2); short protein forms M284V.
Identifiers: ClinVar variation 921059 (VCV000921059.6), dbSNP rs747040221, ClinGen allele CA052641.

ClinVar aggregate classification (germline): Conflicting classifications of pathogenicity. Review status: criteria provided, conflicting classifications (1 of 4 stars). 2 submissions from 2 submitters: Uncertain significance (1); Likely benign (1). Last evaluated 2025-06-30.

Conditions:
Arrhythmogenic cardiomyopathy with wooly hair and keratoderma. Also called: PALMOPLANTAR KERATODERMA WITH LEFT VENTRICULAR CARDIOMYOPATHY AND WOOLLY HAIR; Carvajal syndrome; Dilated cardiomyopathy with woolly hair and keratoderma; Arrhythmogenic cardiomyopathy with woolly hair and keratoderma. Identifiers: Orphanet 65282, MedGen C1854063, MONDO:0011581, OMIM 605676.
Arrhythmogenic right ventricular dysplasia 8 (ARVD8). Also called: Arrhythmogenic Right Ventricular Dysplasia/Cardiomyopathy 8; ARRHYTHMOGENIC RIGHT VENTRICULAR DYSPLASIA, FAMILIAL, 8; ARRHYTHMOGENIC RIGHT VENTRICULAR CARDIOMYOPATHY 8. Identifiers: MedGen C1843896, MONDO:0011831, OMIM 607450.
Cardiomyopathy (CMYO). Also called: Cardiomyopathies. Identifiers: Orphanet 167848, MedGen C0878544, MONDO:0004994, HP:0001638. Inheritance: Various modes of inheritance.

Allele frequency attached by ClinVar (database versions not stated): gnomAD exomes below 0.00001; ExAC 0.00001.
gnomAD v4.1: 1 of 1,614,168 alleles (0.000062%); highest among the groups gnomAD compares: South Asian, 0.0011%; no homozygotes.

Submissions (2):

Labcorp Genetics (formerly Invitae), Labcorp
Classification: Likely benign for Arrhythmogenic cardiomyopathy with wooly hair and keratoderma; Arrhythmogenic right ventricular dysplasia 8. Last evaluated: 2025-06-30. Review status: criteria provided, single submitter. Criteria: Invitae Variant Classification Sherloc (09022015). Collection method: clinical testing. Allele origin: germline.

Color Diagnostics, LLC DBA Color Health
Classification: Uncertain significance for Cardiomyopathy. Last evaluated: 2024-03-07. Review status: criteria provided, single submitter. Criteria: ACMG Guidelines, 2015. Collection method: clinical testing. Allele origin: germline.
Comment: This missense variant replaces methionine with valine at codon 284 of the DSP protein. Computational prediction suggests that this variant may have deleterious impact on protein structure and function (internally defined REVEL score threshold >= 0.7, PMID: 27666373). To our knowledge, functional studies have not been reported for this variant. This variant has not been reported in individuals affected with DSP-related disorders in the literature. This variant has been identified in 1/251410 chromosomes in the general population by the Genome Aggregation Database (gnomAD). The available evidence is insufficient to determine the role of this variant in disease conclusively. Therefore, this variant is classified as a Variant of Uncertain Significance.